The following is an entry in ClinVar:

ClinVar aggregate classification (germline): Uncertain significance (1 of 4 stars; one submission).

Conditions:
Chédiak-Higashi syndrome (CHS). Also called: Chediak-Higashi Syndrome. Identifiers: Orphanet 167, MedGen C0007965, MONDO:0008963, OMIM 214500.

gnomAD v4.1: 3 of 1,614,014 alleles (0.00019%); highest among the groups gnomAD compares: Non-Finnish European, 0.00025%; no homozygotes.

Submission:

Labcorp Genetics (formerly Invitae), Labcorp
Classification: Uncertain significance for Chédiak-Higashi syndrome. Last evaluated: 2024-11-14. Review status: criteria provided, single submitter. Criteria: Invitae Variant Classification Sherloc (09022015). Collection method: clinical testing. Allele origin: germline.
Comment: This sequence change replaces serine, which is neutral and polar, with asparagine, which is neutral and polar, at codon 475 of the LYST protein (p.Ser475Asn). This variant is not present in population databases (gnomAD no frequency). This variant has not been reported in the literature in individuals affected with LYST-related conditions. Invitae Evidence Modeling of protein sequence and biophysical properties (such as structural, functional, and spatial information, amino acid conservation, physicochemical variation, residue mobility, and thermodynamic stability) indicates that this missense variant is not expected to disrupt LYST protein function with a negative predictive value of 80%. In summary, the available evidence is currently insufficient to determine the role of this variant in disease. Therefore, it has been classified as a Variant of Uncertain Significance.

NM_000081.4(LYST):c.1424G>A (p.Ser475Asn)

Gene: LYST (lysosomal trafficking regulator; minus strand). Cytogenetic location: 1q42.3.
Variant type: single nucleotide variant.
Coding change: c.1424G>A on transcript NM_000081.4 (MANE Select); coding-DNA position 1424, G replaced by A.
Protein change: p.Ser475Asn; replaces serine 475 with asparagine.
Molecular consequence: missense variant.
Genome position (GRCh38, 1-based): chr1:235,809,394, C>T on the plus strand (G>A on the coding strand, the complement: LYST is on the minus strand). VCF-style: chr1-235809394-C-T. GRCh37 (hg19) VCF-style: chr1-235972694-C-T.
Other names: c.1424G>A, p.Ser475Asn (NM_001301365.1); short protein forms S475N.
Identifiers: ClinVar variation 3702269 (VCV003702269.2).